The following is an entry in ClinVar:

NM_006767.4(LZTR1):c.379G>T (p.Gly127Trp)

Gene: LZTR1 (leucine zipper like post translational regulator 1; plus strand). Cytogenetic location: 22q11.21.
Variant type: single nucleotide variant.
Coding change: c.379G>T on transcript NM_006767.4 (MANE Select); coding-DNA position 379, G replaced by T.
Protein change: p.Gly127Trp; replaces glycine 127 with tryptophan.
Molecular consequence: missense variant.
Genome position (GRCh38, 1-based): chr22:20,987,562, G>T. VCF-style: chr22-20987562-G-T. GRCh37 (hg19) VCF-style: chr22-21341851-G-T.
Other names: short protein forms G127W.
Identifiers: ClinVar variation 1735025 (VCV001735025.2), dbSNP rs1924440004, ClinGen allele CA410779399.

ClinVar aggregate classification (germline): Uncertain significance (1 of 4 stars; one submission).

Conditions:
Hereditary cancer-predisposing syndrome. Also called: Neoplastic Syndromes, Hereditary; Tumor predisposition; Hereditary Cancer Syndrome; Hereditary neoplastic syndrome. Identifiers: Orphanet 140162, MedGen C0027672, MeSH D009386, MONDO:0015356.
Cardiovascular phenotype. Identifiers: MedGen CN230736.

Submission:

Ambry Genetics
Classification: Uncertain significance for Cardiovascular phenotype; Hereditary cancer-predisposing syndrome. Last evaluated: 2022-01-28. Review status: criteria provided, single submitter. Criteria: Ambry Variant Classification Scheme 2023. Collection method: clinical testing. Allele origin: germline.
Comment: The p.G127W variant (also known as c.379G>T), located in coding exon 4 of the LZTR1 gene, results from a G to T substitution at nucleotide position 379. The glycine at codon 127 is replaced by tryptophan, an amino acid with highly dissimilar properties. This amino acid position is conserved. In addition, this alteration is predicted to be deleterious by in silico analysis. Since supporting evidence is limited at this time, the clinical significance of this alteration remains unclear.